The following is an entry in ClinVar:

ClinVar aggregate classification (germline): Uncertain significance (1 of 4 stars; one submission).

Conditions:
Ullrich congenital muscular dystrophy 1A. Also called: Intermediate COL6-RD; Ullrich congenital muscular dystrophy 1. Identifiers: Orphanet 75840, MedGen C0410179, MONDO:0009681, OMIM 254090.

gnomAD v4.1: 1 of 1,614,100 alleles (0.000062%); highest among the groups gnomAD compares: Non-Finnish European, 0.000085%; no homozygotes.

Submission:

Laboratorio de Genetica e Diagnostico Molecular, Hospital Israelita Albert Einstein
Classification: Uncertain significance for Ullrich congenital muscular dystrophy 1A. Last evaluated: 2022-01-18. Review status: criteria provided, single submitter. Criteria: ACMG Guidelines, 2015. Collection method: clinical testing. Allele origin: germline. Affected: yes.
Comment: ACMG classification criteria: PM2, BP4

NM_004369.4(COL6A3):c.1422G>T (p.Arg474Ser)

Gene: COL6A3 (collagen type VI alpha 3 chain; minus strand). Cytogenetic location: 2q37.3.
Variant type: single nucleotide variant.
Coding change: c.1422G>T on transcript NM_004369.4 (MANE Select); coding-DNA position 1422, G replaced by T.
Protein change: p.Arg474Ser; replaces arginine 474 with serine.
Molecular consequence: missense variant.
Genome position (GRCh38, 1-based): chr2:237,381,390, C>A on the plus strand (G>T on the coding strand, the complement: COL6A3 is on the minus strand). VCF-style: chr2-237381390-C-A. GRCh37 (hg19) VCF-style: chr2-238290033-C-A.
Other names: c.201G>T, p.Arg67Ser (NM_057164.5, NM_057166.5); c.804G>T, p.Arg268Ser (NM_057165.5, NM_057167.4); short protein forms R268S, R474S, R67S.
Identifiers: ClinVar variation 1683619 (VCV001683619.2), dbSNP rs2106370324, ClinGen allele CA351218138.